The following is an entry in ClinVar:

ClinVar aggregate classification (germline): Likely benign (0 of 4 stars; one submission).

Conditions:
GATA6-related disorder. Also called: GATA6-related condition.

Submission:

PreventionGenetics, part of Exact Sciences
Classification: Likely benign for GATA6-related condition. Last evaluated: 2020-02-19. Review status: no assertion criteria provided. Collection method: clinical testing. Allele origin: germline.
Comment: This variant is classified as likely benign based on ACMG/AMP sequence variant interpretation guidelines (Richards et al. 2015 PMID: 25741868, with internal and published modifications).

NM_005257.6(GATA6):c.519G>C (p.Ala173=)

Gene: GATA6 (GATA binding protein 6; plus strand). Cytogenetic location: 18q11.2.
Variant type: single nucleotide variant.
Coding change: c.519G>C on transcript NM_005257.6 (MANE Select); coding-DNA position 519, G replaced by C.
Protein change: p.Ala173=; no amino-acid change (alanine 173 retained).
Molecular consequence: synonymous variant.
Genome position (GRCh38, 1-based): chr18:22,171,663, G>C. VCF-style: chr18-22171663-G-C. GRCh37 (hg19) VCF-style: chr18-19751624-G-C.
Identifiers: ClinVar variation 3037391 (VCV003037391.2), dbSNP rs2510625893, ClinGen allele CA503529612.
Genomic context (GRCh38, chr18:22,171,663, plus strand): 5'-TCTCTCCAGCCAGGGTCCGGCCGCCTACGACGGCGCGCCCGGCGGCTTCGTGCACTCTGC[G>C]GCCGCGGCGGCAGCAGCCGCGGCGGCGGCCAGCTCCCCGGTCTACGTGCCCACCACCCGC-3'
Protein context (NP_005248.2, residues 163-183): DGAPGGFVHS[Ala173=]AAAAAAAAAA